The following is an entry in ClinVar:

ClinVar aggregate classification (germline): Benign (1 of 4 stars; one submission).

Allele frequency attached by ClinVar (database versions not stated): 1000 Genomes Project 30x 0.22189; 1000 Genomes Project 0.22564; TOPMed 0.23115; gnomAD 0.23408 and 0.23641.
gnomAD v4.1: 35,918 of 152,112 alleles (24%); highest among the groups gnomAD compares: East Asian, 30%; 4,716 homozygotes.

Submission:

GeneDx
Classification: Benign. Last evaluated: 2018-06-14. Review status: criteria provided, single submitter. Criteria: GeneDx Variant Classification (06012015). Collection method: clinical testing. Allele origin: germline. Affected: yes.
Comment: This variant is considered likely benign or benign based on one or more of the following criteria: it is a conservative change, it occurs at a poorly conserved position in the protein, it is predicted to be benign by multiple in silico algorithms, and/or has population frequency not consistent with disease.

NM_001943.5(DSG2):c.81+237A>G

Gene: DSG2 (desmoglein 2; plus strand). Cytogenetic location: 18q12.1.
Variant type: single nucleotide variant.
Coding change: c.81+237A>G on transcript NM_001943.5 (MANE Select); 237 bases into the intron after coding-DNA position 81, A replaced by G.
Molecular consequence: intron variant.
Genome position (GRCh38, 1-based): chr18:31,518,511, A>G. VCF-style: chr18-31518511-A-G. GRCh37 (hg19) VCF-style: chr18-29098474-A-G.
Identifiers: ClinVar variation 678478 (VCV000678478.1), dbSNP rs9807379, ClinGen allele CA14559326.
Genomic context (GRCh38, chr18:31,518,511, plus strand): 5'-ATGTAAATATCCACCAATAGGTGAATGTTAAAACCATTTATGGTACATGAAAGAATGTCC[A>G]TGACGAGGTGCTGAATGAAAATCGGGGCAAAATAAGATATATAGTGTAAGTCCATTTTTA-3'